The following is an entry in ClinVar:

ClinVar aggregate classification (germline): Likely pathogenic (1 of 4 stars; one submission).

Conditions:
Congenital factor V deficiency. Also called: LABILE FACTOR DEFICIENCY; OWREN PARAHEMOPHILIA; PARAHEMOPHILIA; Hereditary factor V deficiency disease. Identifiers: Orphanet 326, MedGen C0015499, MONDO:0009210, OMIM 227400.

Submission:

Institute of Immunology and Genetics Kaiserslautern
Classification: Likely pathogenic for Congenital factor V deficiency. Last evaluated: 2025-06-04. Review status: criteria provided, single submitter. Criteria: ACMG Guidelines, 2015. Collection method: clinical testing. Allele origin: germline. Affected: yes.
Comment: ACMG Criteria: PVS1, PM2; Variant was found in heterozygous state.

NM_000130.5(F5):c.4195C>T (p.Gln1399Ter)

Gene: F5 (coagulation factor V; minus strand). Cytogenetic location: 1q24.2.
Variant type: single nucleotide variant.
Coding change: c.4195C>T on transcript NM_000130.5 (MANE Select); coding-DNA position 4195, C replaced by T.
Protein change: p.Gln1399Ter; replaces glutamine 1399 with a stop codon.
Molecular consequence: nonsense.
Genome position (GRCh38, 1-based): chr1:169,540,895, G>A on the plus strand (C>T on the coding strand, the complement: F5 is on the minus strand). VCF-style: chr1-169540895-G-A. GRCh37 (hg19) VCF-style: chr1-169510133-G-A.
Other names: short protein forms Q1399*.
Identifiers: ClinVar variation 4074749 (VCV004074749.1).